The following is an entry in ClinVar:

NM_012463.4(ATP6V0A2):c.2393del (p.Ala798fs)

Gene: ATP6V0A2 (ATPase H+ transporting V0 subunit a2; plus strand). Cytogenetic location: 12q24.31.
Variant type: Deletion.
Coding change: c.2393del on transcript NM_012463.4 (MANE Select); coding-DNA position 2393, one base deleted (C; older notation c.2393delC).
Protein change: p.Ala798fs; shifts the reading frame from alanine 798.
Molecular consequence: frameshift variant.
Genome position (GRCh38, 1-based): chr12:123,756,914, C deleted. VCF-style (leftmost placement, unchanged base first): chr12-123756913-GC-G. GRCh37 (hg19) VCF-style: chr12-124241460-GC-G.
Other names: short protein forms A798fs.
Identifiers: ClinVar variation 2429237 (VCV002429237.3), dbSNP rs2541878282, ClinGen allele CA2580085951.
Genomic context (GRCh38, chr12:123,756,913, plus strand): 5'-GGCCTCCGCGTTGACACCACCTATGGCGTCTTGCTACTGCTCCCGGTTATCGCGCTCTTT[GC>G]AGTTTTGACCATTTTCATCCTTCTGATCATGGAAGGGCTTTCTGCGTTTCTTCACGCCAT-3'

ClinVar aggregate classification (germline): Likely pathogenic (1 of 4 stars; one submission).

Conditions:
Cutis laxa. Identifiers: Orphanet 209, MedGen C0010495, MONDO:0016175, HP:0000973.

Submission:

Women's Health and Genetics/Laboratory Corporation of America, LabCorp
Classification: Likely pathogenic for Cutis laxa. Last evaluated: 2023-01-21. Review status: criteria provided, single submitter. Criteria: LabCorp Variant Classification Summary - May 2015. Collection method: clinical testing. Allele origin: germline.
Comment: Variant summary: ATP6V0A2 c.2393delC (p.Ala798GlufsX3) results in a premature termination codon, predicted to cause a truncation of the encoded protein or absence of the protein due to nonsense mediated decay, which are commonly known mechanisms for disease. The variant was absent in 251494 control chromosomes (gnomAD). To our knowledge, no occurrence of c.2393delC in individuals affected with Cutis Laxa - ATP6V0A2 Related and no experimental evidence demonstrating its impact on protein function have been reported. No clinical diagnostic laboratories have submitted clinical-significance assessments for this variant to ClinVar after 2014. Based on the evidence outlined above, the variant was classified as likely pathogenic.